The following is an entry in ClinVar:

ClinVar aggregate classification (germline): Likely benign (1 of 4 stars; one submission).

Allele frequency attached by ClinVar (database versions not stated): TOPMed 0.00001; gnomAD 0.00001.
gnomAD v4.1: 2 of 1,613,830 alleles (0.00012%); highest among the groups gnomAD compares: African/African-American, 0.0013%; no homozygotes.

Submission:

GeneDx
Classification: Likely benign. Last evaluated: 2018-05-11. Review status: criteria provided, single submitter. Criteria: GeneDx Variant Classification (06012015). Collection method: clinical testing. Allele origin: germline. Affected: yes.
Comment: This variant is considered likely benign or benign based on one or more of the following criteria: it is a conservative change, it occurs at a poorly conserved position in the protein, it is predicted to be benign by multiple in silico algorithms, and/or has population frequency not consistent with disease.

NM_006796.3(AFG3L2):c.2382A>G (p.Lys794=)

Genes: TUBB6 (tubulin beta 6 class V; plus strand), AFG3L2 (AFG3 like matrix AAA peptidase subunit 2; minus strand). Cytogenetic location: 18p11.21.
Variant type: single nucleotide variant.
Coding change: c.2382A>G on transcript NM_006796.3 (MANE Select); coding-DNA position 2382, A replaced by G.
Protein change: p.Lys794=; no amino-acid change (lysine 794 retained).
Molecular consequence: synonymous variant. On other transcripts: 3 prime UTR variant (1).
Genome position (GRCh38, 1-based): chr18:12,329,577, T>C on the plus strand (A>G on the coding strand, the complement: AFG3L2 is on the minus strand). VCF-style: chr18-12329577-T-C. GRCh37 (hg19) VCF-style: chr18-12329576-T-C.
Other names: c.*394T>C (NM_001303525.2).
Identifiers: ClinVar variation 682373 (VCV000682373.3), dbSNP rs1296929028, ClinGen allele CA502964393.